The following is an entry in ClinVar:

NM_199420.4(POLQ):c.383T>G (p.Leu128Arg)

Gene: POLQ (DNA polymerase theta; minus strand). Cytogenetic location: 3q13.33.
Variant type: single nucleotide variant.
Coding change: c.383T>G on transcript NM_199420.4 (MANE Select); coding-DNA position 383, T replaced by G.
Protein change: p.Leu128Arg; replaces leucine 128 with arginine.
Molecular consequence: missense variant.
Genome position (GRCh38, 1-based): chr3:121,541,440, A>C on the plus strand (T>G on the coding strand, the complement: POLQ is on the minus strand). VCF-style: chr3-121541440-A-C. GRCh37 (hg19) VCF-style: chr3-121260287-A-C.
Other names: short protein forms L128R.
Identifiers: ClinVar variation 3229968 (VCV003229968.1), dbSNP rs754104033, ClinGen allele CA2563830.
Genomic context (GRCh38, chr3:121,541,440, plus strand): 5'-GAAACAAAGGGAAGAATAAACAAAGCTTTCTTCCGCATTTCCAAAACCCGCTTCAAAATA[A>C]GTAATTCTGCCACAAGAGTCTTCCCAGCACTTGTAGGAGCTAAAACATGATTATTCCACA-3'
Protein context (NP_955452.3, residues 118-138): SAGKTLVAEL[Leu128Arg]ILKRVLEMRK

ClinVar aggregate classification (germline): Uncertain significance (1 of 4 stars; one submission).

Allele frequency attached by ClinVar (database versions not stated): gnomAD exomes below 0.00001; ExAC 0.00001.
gnomAD v4.1: 1 of 1,611,610 alleles (0.000062%); highest among the groups gnomAD compares: East Asian, 0.0022%; no homozygotes.

Submission:

Ambry Genetics
Classification: Uncertain significance. Last evaluated: 2023-11-11. Review status: criteria provided, single submitter. Criteria: Ambry Variant Classification Scheme 2023. Collection method: clinical testing. Allele origin: germline.
Comment: The p.L128R variant (also known as c.383T>G), located in coding exon 3 of the POLQ gene, results from a T to G substitution at nucleotide position 383. The leucine at codon 128 is replaced by arginine, an amino acid with dissimilar properties. This amino acid position is conserved. In addition, this alteration is predicted to be deleterious by in silico analysis. Since supporting evidence is limited at this time, the clinical significance of this alteration remains unclear.